The following is an entry in ClinVar:

ClinVar aggregate classification (germline): Benign (1 of 4 stars; one submission).

Conditions:
Hereditary spastic paraplegia 33. Also called: SPASTIC PARAPLEGIA 33, AUTOSOMAL DOMINANT. Identifiers: MedGen C1853251, MONDO:0012448, OMIM 610244.

Allele frequency attached by ClinVar (database versions not stated): 1000 Genomes Project 0.00060; 1000 Genomes Project 30x 0.00109; TOPMed 0.00182; gnomAD 0.00201.

Submission:

Illumina Laboratory Services, Illumina
Classification: Benign for Hereditary spastic paraplegia 33. Last evaluated: 2018-01-13. Review status: criteria provided, single submitter. Criteria: ICSL Variant Classification Criteria 13 December 2019. Collection method: clinical testing. Allele origin: germline.
Comment: This variant was observed in the ICSL laboratory as part of a predisposition screen in an ostensibly healthy population. It had not been previously curated by ICSL or reported in the Human Gene Mutation Database (HGMD: prior to June 1st, 2018), and was therefore a candidate for classification through an automated scoring system. Utilizing variant allele frequency, disease prevalence and penetrance estimates, and inheritance mode, an automated score was calculated to assess if this variant is too frequent to cause the disease. Based on the score and internal cut-off values, a variant classified as benign is not then subjected to further curation. The score for this variant resulted in a classification of benign for this disease.

NM_001385875.1(ZFYVE27):c.*894G>C

Gene: ZFYVE27 (zinc finger FYVE-type containing 27; plus strand). Cytogenetic location: 10q24.2.
Variant type: single nucleotide variant.
Coding change: c.*894G>C on transcript NM_001385875.1 (MANE Select); 894 bases downstream of the stop codon, G replaced by C.
Molecular consequence: 3 prime UTR variant. On other transcripts: non-coding transcript variant (17).
Genome position (GRCh38, 1-based): chr10:97,760,194, G>C. VCF-style: chr10-97760194-G-C. GRCh37 (hg19) VCF-style: chr10-99519951-G-C.
Other names: c.*894G>C (NM_001002261.4, NM_001002262.4, NM_001174119.2 and 39 more transcripts).
Identifiers: ClinVar variation 301852 (VCV000301852.5), dbSNP rs534547830, ClinGen allele CA10637064.